The following is an entry in ClinVar:

NM_194248.3(OTOF):c.2956C>T (p.Arg986Cys)

Gene: OTOF (otoferlin; minus strand). Cytogenetic location: 2p23.3.
Variant type: single nucleotide variant.
Coding change: c.2956C>T on transcript NM_194248.3 (MANE Select); coding-DNA position 2956, C replaced by T.
Protein change: p.Arg986Cys; replaces arginine 986 with cysteine.
Molecular consequence: missense variant.
Genome position (GRCh38, 1-based): chr2:26,475,949, G>A on the plus strand (C>T on the coding strand, the complement: OTOF is on the minus strand). VCF-style: chr2-26475949-G-A. GRCh37 (hg19) VCF-style: chr2-26698817-G-A.
Other names: c.2956C>T, p.Arg986Cys (NM_001287489.2); c.715C>T, p.Arg239Cys (NM_004802.4, NM_194323.3); c.886C>T, p.Arg296Cys (NM_194322.3); short protein forms R986C, R239C, R296C.
Identifiers: ClinVar variation 229072 (VCV000229072.11), dbSNP rs201198797, ClinGen allele CA1563717.
Genomic context (GRCh38, chr2:26,475,949, plus strand): 5'-CCACTCCCTCCTCCCAGGCCCTCACCTCTGTGCACTGACTCTGATTGATGAAGAAGACGC[G>A]GGCAAAGGGGTCTGAGAGTCCGCTGCTGTCGGCGGCAAAGAGGCTGCGGGCCTGGTACAT-3'
Protein context (NP_919224.1, residues 976-996): DSSGLSDPFA[Arg986Cys]VFFINQSQCT

ClinVar aggregate classification (germline): Uncertain significance. Review status: criteria provided, multiple submitters, no conflicts (2 of 4 stars). 4 submissions from 4 submitters: Uncertain significance (4). Last evaluated 2026-08-12.

Conditions:
Autosomal recessive nonsyndromic hearing loss 9. Also called: Deafness, autosomal recessive 9; NEUROSENSORY NONSYNDROMIC RECESSIVE DEAFNESS 9; AUDITORY NEUROPATHY, AUTOSOMAL RECESSIVE, 1, TEMPERATURE-SENSITIVE; OTOF-Related Hearing Loss. Identifiers: Orphanet 90636, MedGen C1832828, MONDO:0010986, OMIM 601071.

Allele frequency attached by ClinVar (database versions not stated): gnomAD 0.00004; TOPMed 0.00006; gnomAD exomes 0.00008; ExAC 0.00011; ESP Exome Variant Server 0.00015; 1000 Genomes Project 30x 0.00016; 1000 Genomes Project 0.00020.

Submissions (4):

GeneDx
Classification: Uncertain significance. Last evaluated: 2026-08-12. Review status: criteria provided, single submitter. Criteria: GeneDx Variant Classification Process June 2021. Collection method: clinical testing. Allele origin: germline.
Comment: In silico analysis supports that this missense variant has a deleterious effect on protein structure/function; This variant is associated with the following publications: (PMID: 40070250)

Blueprint Genetics
Classification: Uncertain significance. Last evaluated: 2024-08-07. Review status: criteria provided, single submitter. Criteria: ACMG Guidelines, 2015. Collection method: clinical testing. Allele origin: germline.

Fulgent Genetics
Classification: Uncertain significance for Autosomal recessive nonsyndromic hearing loss 9. Last evaluated: 2022-01-04. Review status: criteria provided, single submitter. Criteria: ACMG Guidelines, 2015. Collection method: clinical testing. Allele origin: unknown.

Laboratory for Molecular Medicine, Mass General Brigham Personalized Medicine
Classification: Uncertain significance. Last evaluated: 2016-03-15. Review status: criteria provided, single submitter. Criteria: LMM Criteria. Collection method: clinical testing. Allele origin: germline. Observed: 1 variant allele.
Comment: The p.Arg986Cys variant in OTOF has not been previously reported in individuals with hearing loss, but has been identified in 9/50616 European chromosomes by th e Exome Aggregation Consortium (ExAC; dbSNP rs20 1198797). Computational prediction tools and conservation analyses suggest that this variant may impact the protein, though this information is not predictive enough to determine pathogenicity. In summary, the clinical significance of the p.Arg986Cys variant is uncertain.